The following is an entry in ClinVar:

ClinVar aggregate classification (germline): Conflicting classifications of pathogenicity. Review status: criteria provided, conflicting classifications (1 of 4 stars). 4 submissions from 2 submitters: Uncertain significance (1); Benign (3). Last evaluated 2018-01-13.

Conditions:
Maturity-onset diabetes of the young type 13. Also called: MODY, TYPE 13. Identifiers: Orphanet 552, MedGen C4225365, MONDO:0014589, OMIM 616329.
Maturity-onset diabetes of the young (MODY). Also called: Maturity onset diabetes mellitus in young. Identifiers: Orphanet 552, MedGen C0342276, MONDO:0018911, HP:0004904.
Diabetes mellitus, transient neonatal, 3 (TNDM3). Identifiers: Orphanet 99886, MedGen C1864623, MONDO:0012522, OMIM 610582. Disease mechanism: loss of function.
Hyperinsulinemic hypoglycemia, familial, 2. Also called: HYPERINSULINEMIC HYPOGLYCEMIA, PERSISTENT; HYPERINSULINISM, NEONATAL. Identifiers: Orphanet 276580, Orphanet 276603, MedGen C2931833, MONDO:0011153, OMIM 601820. Disease mechanism: loss of function.

Allele frequency attached by ClinVar (database versions not stated): TOPMed 0.73295; 1000 Genomes Project 0.73582; 1000 Genomes Project 30x 0.73923.
gnomAD v4.1: 964,739 of 1,466,560 alleles (66%); highest among the groups gnomAD compares: African/African-American, 93%; 321,092 homozygotes.

Submissions (4):

Illumina Laboratory Services, Illumina
Classification: Benign for Hyperinsulinemic hypoglycemia, familial, 2. Last evaluated: 2018-01-13. Review status: criteria provided, single submitter. Criteria: ICSL Variant Classification Criteria 13 December 2019. Collection method: clinical testing. Allele origin: germline.
Comment: This variant was observed in the ICSL laboratory as part of a predisposition screen in an ostensibly healthy population. It had not been previously curated by ICSL or reported in the Human Gene Mutation Database (HGMD: prior to June 1st, 2018), and was therefore a candidate for classification through an automated scoring system. Utilizing variant allele frequency, disease prevalence and penetrance estimates, and inheritance mode, an automated score was calculated to assess if this variant is too frequent to cause the disease. Based on the score and internal cut-off values, a variant classified as benign is not then subjected to further curation. The score for this variant resulted in a classification of benign for this disease.

Illumina Laboratory Services, Illumina
Classification: Benign for Diabetes mellitus, transient neonatal, 3. Last evaluated: 2018-01-13. Review status: criteria provided, single submitter. Criteria: ICSL Variant Classification Criteria 13 December 2019. Collection method: clinical testing. Allele origin: germline.
Comment: the same text as in the submission from Illumina Laboratory Services, Illumina above.

Illumina Laboratory Services, Illumina
Classification: Benign for Maturity-onset diabetes of the young type 13. Last evaluated: 2018-01-13. Review status: criteria provided, single submitter. Criteria: ICSL Variant Classification Criteria 13 December 2019. Collection method: clinical testing. Allele origin: germline.
Comment: the same text as in the submission from Illumina Laboratory Services, Illumina above.

Clinical Genomics, Uppaluri K&H Personalized Medicine Clinic
Classification: Uncertain significance for Maturity-onset diabetes of the young. Review status: criteria provided, single submitter. Criteria: K & H Uppaluri Personalized Medicine Clinic Variant Classification & Assertion Criteria_Updated V.1. Collection method: research. Allele origin: somatic. Inheritance: Autosomal dominant inheritance.
Comment: Mutations in KCNJ11 gene can cause decreased production and secretion of insulin. This can lead to MODY which may be responsive to oral sulfonylureas. It is also associated with Neonatal Diabetes. However, no sufficient evidence is found to ascertain the role of this particular variant (rs5213) in MODY yet. Association of rs5213 variant with Type II Diabetes is also not certain.

Literature cited by the submitters: PubMed 34737607 (cited by Clinical Genomics, Uppaluri K&H Personalized Medicine Clinic); PubMed 30297969 (cited by Clinical Genomics, Uppaluri K&H Personalized Medicine Clinic).

NM_000525.4(KCNJ11):c.*62G>A

Gene: KCNJ11 (potassium inwardly rectifying channel subfamily J member 11; minus strand). Cytogenetic location: 11p15.1.
Variant type: single nucleotide variant.
Coding change: c.*62G>A on transcript NM_000525.4 (MANE Select); 62 bases downstream of the stop codon, G replaced by A.
Molecular consequence: 3 prime UTR variant.
Genome position (GRCh38, 1-based): chr11:17,386,857, C>T on the plus strand (G>A on the coding strand, the complement: KCNJ11 is on the minus strand). VCF-style: chr11-17386857-C-T. GRCh37 (hg19) VCF-style: chr11-17408404-C-T.
Other names: c.*62G>A (NM_001166290.2, NM_001377296.1, NM_001377297.1).
Identifiers: ClinVar variation 303731 (VCV000303731.6), dbSNP rs5213, ClinGen allele CA10634199.